The following is an entry in ClinVar:

NM_176787.5(PIGN):c.1924_1928del (p.Arg641_Lys642insTer)

Gene: PIGN (phosphatidylinositol glycan anchor biosynthesis class N; minus strand). Cytogenetic location: 18q21.33.
Variant type: Microsatellite.
Coding change: c.1924_1928del on transcript NM_176787.5 (MANE Select); coding-DNA positions 1924 to 1928, 5 bases deleted (AAAGA; older notation c.1924_1928delAAAGA).
Protein change: p.Arg641_Lys642insTer.
Molecular consequence: nonsense.
Genome position (GRCh38, 1-based): chr18:62,102,834-62,102,838, TCTTT deleted on the plus strand (AAAGA on the coding strand, the reverse complement: PIGN is on the minus strand); deleting any 5 consecutive bases within chr18:62,102,834-62,102,845 gives the same sequence; the c. name uses the placement nearest the transcript's 3' end. VCF-style (leftmost placement, unchanged base first): chr18-62102833-ATCTTT-A. GRCh37 (hg19) VCF-style: chr18-59770066-ATCTTT-A.
Other names: c.1924_1928del, p.Arg641_Lys642insTer (NM_012327.6).
Identifiers: ClinVar variation 2697730 (VCV002697730.3), dbSNP rs2512857473, ClinGen allele CA2697555567.

ClinVar aggregate classification (germline): Pathogenic (1 of 4 stars; one submission).

Conditions:
Multiple congenital anomalies-hypotonia-seizures syndrome 1 (MCAHS1). Also called: PIGN-CDG; Congenital disorder of glycosylation due to PIGN deficiency; GLYCOSYLPHOSPHATIDYLINOSITOL BIOSYNTHESIS DEFECT 3. Identifiers: Orphanet 280633, MedGen C3279775, MONDO:0013563, OMIM 614080.

Submission:

Labcorp Genetics (formerly Invitae), Labcorp
Classification: Pathogenic for Multiple congenital anomalies-hypotonia-seizures syndrome 1. Last evaluated: 2023-06-07. Review status: criteria provided, single submitter. Criteria: Invitae Variant Classification Sherloc (09022015). Collection method: clinical testing. Allele origin: germline.
Comment: This sequence change creates a premature translational stop signal (p.Lys642*) in the PIGN gene. It is expected to result in an absent or disrupted protein product. Loss-of-function variants in PIGN are known to be pathogenic (PMID: 24253414, 27038415). This variant is not present in population databases (gnomAD no frequency). This variant has not been reported in the literature in individuals affected with PIGN-related conditions. For these reasons, this variant has been classified as Pathogenic.

Literature cited by the submitters: PubMed 24253414; PubMed 27038415.